The following is an entry in ClinVar:

NM_015047.3(EMC1):c.2374G>C (p.Val792Leu)

Genes: EMC1 (ER membrane protein complex subunit 1; minus strand), EMC1-AS1 (EMC1 antisense RNA 1; plus strand). Cytogenetic location: 1p36.13.
Variant type: single nucleotide variant.
Coding change: c.2374G>C on transcript NM_015047.3 (MANE Select); coding-DNA position 2374, G replaced by C.
Protein change: p.Val792Leu; replaces valine 792 with leucine.
Molecular consequence: missense variant.
Genome position (GRCh38, 1-based): chr1:19,223,398, C>G on the plus strand (G>C on the coding strand, the complement: EMC1 is on the minus strand). VCF-style: chr1-19223398-C-G. GRCh37 (hg19) VCF-style: chr1-19549892-C-G.
Other names: c.2371G>C, p.Val791Leu (NM_001271427.2, NM_001271428.2); c.2308G>C, p.Val770Leu (NM_001271429.2); c.2383G>C, p.Val795Leu (NM_001375820.1); c.2380G>C, p.Val794Leu (NM_001375821.1); short protein forms V770L, V794L, V791L, V792L, V795L.
Identifiers: ClinVar variation 1031860 (VCV001031860.10), dbSNP rs758769418, ClinGen allele CA652309.

ClinVar aggregate classification (germline): Uncertain significance. Review status: criteria provided, multiple submitters, no conflicts (2 of 4 stars). 2 submissions from 2 submitters: Uncertain significance (2). Last evaluated 2026-01-21.

Conditions:
Cerebellar atrophy, visual impairment, and psychomotor retardation;. Also called: Cerebellar atrophy, visual impairment, and psychomotor retardation. Identifiers: MedGen C4225172, MONDO:0014811, OMIM 616875.

Allele frequency attached by ClinVar (database versions not stated): gnomAD 0.00001; ExAC 0.00003; TOPMed 0.00003; gnomAD exomes 0.00008.
gnomAD v4.1: 25 of 1,613,444 alleles (0.0015%); highest among the groups gnomAD compares: Admixed American, 0.042%; no homozygotes.

Submissions (2):

Labcorp Genetics (formerly Invitae), Labcorp
Classification: Uncertain significance. Last evaluated: 2026-01-21. Review status: criteria provided, single submitter. Criteria: Invitae Variant Classification Sherloc (09022015). Collection method: clinical testing. Allele origin: germline.
Comment: This sequence change replaces valine, which is neutral and non-polar, with leucine, which is neutral and non-polar, at codon 792 of the EMC1 protein (p.Val792Leu). This variant is present in population databases (rs758769418, gnomAD 0.06%). This variant has not been reported in the literature in individuals affected with EMC1-related conditions. ClinVar contains an entry for this variant (Variation ID: 1031860). An algorithm developed to predict the effect of missense changes on protein structure and function (PolyPhen-2) suggests that this variant is likely to be tolerated. In summary, the available evidence is currently insufficient to determine the role of this variant in disease. Therefore, it has been classified as a Variant of Uncertain Significance.

Baylor Genetics
Classification: Uncertain significance for Cerebellar atrophy, visual impairment, and psychomotor retardation;. Last evaluated: 2018-06-22. Review status: criteria provided, single submitter. Criteria: ACMG Guidelines, 2015. Collection method: clinical testing. Allele origin: maternal. Affected: yes.
Comment: This variant was determined to be of uncertain significance according to ACMG Guidelines, 2015 [PMID:25741868].